The following is an entry in ClinVar:

ClinVar aggregate classification (germline): Likely benign (1 of 4 stars; one submission).

Allele frequency attached by ClinVar (database versions not stated): TOPMed below 0.00001.

Submission:

CeGaT Center for Human Genetics Tuebingen
Classification: Likely benign. Last evaluated: 2025-04-01. Review status: criteria provided, single submitter. Criteria: CeGaT Center For Human Genetics Tuebingen Variant Classification Criteria Version 2. Collection method: clinical testing. Allele origin: germline. Affected: yes. Observed: 2 variant alleles.
Comment: CTR9: PM2:Supporting, BP4, BP7

NM_014633.5(CTR9):c.3159C>G (p.Ala1053=)

Gene: CTR9 (CTR9 component of Paf1/RNA polymerase II complex; plus strand). Cytogenetic location: 11p15.4.
Variant type: single nucleotide variant.
Coding change: c.3159C>G on transcript NM_014633.5 (MANE Select); coding-DNA position 3159, C replaced by G.
Protein change: p.Ala1053=; no amino-acid change (alanine 1053 retained).
Molecular consequence: synonymous variant.
Genome position (GRCh38, 1-based): chr11:10,778,742, C>G. VCF-style: chr11-10778742-C-G. GRCh37 (hg19) VCF-style: chr11-10800289-C-G.
Other names: c.3087C>G, p.Ala1029= (NM_001346279.2).
Identifiers: ClinVar variation 3239319 (VCV003239319.19), dbSNP rs1229042009.